The following is an entry in ClinVar:

ClinVar aggregate classification (germline): Uncertain significance (1 of 4 stars; one submission).

Allele frequency attached by ClinVar (database versions not stated): ExAC 0.00002; TOPMed 0.00002; ESP Exome Variant Server 0.00015.
gnomAD v4.1: 28 of 1,613,486 alleles (0.0017%); highest among the groups gnomAD compares: Admixed American, 0.0033%; no homozygotes.

Submission:

Labcorp Genetics (formerly Invitae), Labcorp
Classification: Uncertain significance. Last evaluated: 2022-06-20. Review status: criteria provided, single submitter. Criteria: Invitae Variant Classification Sherloc (09022015). Collection method: clinical testing. Allele origin: germline.
Comment: In summary, the available evidence is currently insufficient to determine the role of this variant in disease. Therefore, it has been classified as a Variant of Uncertain Significance. Algorithms developed to predict the effect of missense changes on protein structure and function (SIFT, PolyPhen-2, Align-GVGD) all suggest that this variant is likely to be disruptive. This variant has not been reported in the literature in individuals affected with CEP63-related conditions. This variant is present in population databases (rs145156085, gnomAD 0.006%). This sequence change replaces isoleucine, which is neutral and non-polar, with threonine, which is neutral and polar, at codon 146 of the CEP63 protein (p.Ile146Thr).

NM_001353108.3(CEP63):c.437T>C (p.Ile146Thr)

Gene: CEP63 (centrosomal protein 63; plus strand). Cytogenetic location: 3q22.2.
Variant type: single nucleotide variant.
Coding change: c.437T>C on transcript NM_001353108.3 (MANE Select); coding-DNA position 437, T replaced by C.
Protein change: p.Ile146Thr; replaces isoleucine 146 with threonine.
Molecular consequence: missense variant. On other transcripts: non-coding transcript variant (4).
Genome position (GRCh38, 1-based): chr3:134,532,896, T>C. VCF-style: chr3-134532896-T-C. GRCh37 (hg19) VCF-style: chr3-134251738-T-C.
Other names: c.437T>C, p.Ile146Thr (NM_001042383.2, NM_001042384.2, NM_001042400.3 and 13 more transcripts); c.464T>C, p.Ile155Thr (NM_001353118.1); c.353T>C, p.Ile118Thr (NM_001353125.2); c.74T>C, p.Ile25Thr (NM_001353126.2); short protein forms I155T, I146T, I118T, I25T.
Identifiers: ClinVar variation 2148245 (VCV002148245.2), dbSNP rs145156085, ClinGen allele CA2628362.
Genomic context (GRCh38, chr3:134,532,896, plus strand): 5'-GAGGAAATACCAAAAATCACAGGGAAGATCGGTCTGAAATTGAGAGGTTAACTGCAAAAA[T>C]AGAGGTATGTTCATAGTAATAATTTGTTCATAGTGATTGTCAGCCTTCACGTAGGAAAAT-3'
Protein context (NP_001340037.1, residues 136-156): RSEIERLTAK[Ile146Thr]EEFRQKSLDW